The following is an entry in ClinVar:

NM_000117.3(EMD):c.166G>A (p.Ala56Thr)

Gene: EMD (emerin; plus strand). Cytogenetic location: Xq28.
Variant type: single nucleotide variant.
Coding change: c.166G>A on transcript NM_000117.3 (MANE Select); coding-DNA position 166, G replaced by A.
Protein change: p.Ala56Thr; replaces alanine 56 with threonine.
Molecular consequence: missense variant.
Genome position (GRCh38, 1-based): chrX:154,379,773, G>A. VCF-style: chrX-154379773-G-A. GRCh37 (hg19) VCF-style: chrX-153608133-G-A.
Other names: short protein forms A56T.
Identifiers: ClinVar variation 379342 (VCV000379342.14), dbSNP rs1057520579, ClinGen allele CA16608347.

ClinVar aggregate classification (germline): Conflicting classifications of pathogenicity. Review status: criteria provided, conflicting classifications (1 of 4 stars). 4 submissions from 4 submitters: Uncertain significance (1); Likely benign (2). 1 of the submissions does not count toward it. Last evaluated 2025-12-23.

Conditions:
Cardiovascular phenotype. Identifiers: MedGen CN230736.
Emery-Dreifuss muscular dystrophy (EDMD). Also called: Scapuloperoneal syndrome, X-linked (formerly); Humeroperoneal neuromuscular disease, (formerly). Identifiers: Orphanet 261, MedGen C0410189, MONDO:0016830.
X-linked Emery-Dreifuss muscular dystrophy. Also called: Muscular dystrophy, tardive Emery-Dreifuss type, with contractures. Identifiers: Orphanet 261, Orphanet 98863, MedGen C0751337, MONDO:0010680.

Allele frequency attached by ClinVar (database versions not stated): TOPMed 0.00002; gnomAD exomes 0.00003; gnomAD 0.00005.

Submissions (4):

Labcorp Genetics (formerly Invitae), Labcorp
Classification: Likely benign for X-linked Emery-Dreifuss muscular dystrophy. Last evaluated: 2025-12-23. Review status: criteria provided, single submitter. Criteria: Invitae Variant Classification Sherloc (09022015). Collection method: clinical testing. Allele origin: germline.

GeneDx
Classification: Uncertain significance. Last evaluated: 2024-06-24. Review status: criteria provided, single submitter. Criteria: GeneDx Variant Classification Process June 2021. Collection method: clinical testing. Allele origin: germline. Affected: yes.
Comment: Identified in a patient who met Task Force criteria for ARVC who also harbors a pathogenic variant in the PLN gene (PMID: 30763825); A published functional study suggests p.(A56T) may play a role in Plakoglobin, SAP97, and GSK3B distribution observed in intercalated disks (PMID: 30763825); Missense variants in this gene are a common cause of disease and they are underrepresented in the general population; In silico analysis indicates that this missense variant does not alter protein structure/function; This variant is associated with the following publications: (PMID: 30763825)

Ambry Genetics
Classification: Likely benign for Cardiovascular phenotype. Last evaluated: 2024-04-17. Review status: criteria provided, single submitter. Criteria: Ambry Variant Classification Scheme 2023. Collection method: clinical testing. Allele origin: germline.

Natera, Inc.
Classification: Uncertain significance for Emery-Dreifuss muscular dystrophy. Last evaluated: 2021-09-08. Review status: no assertion criteria provided. Collection method: clinical testing. Allele origin: germline. Not counted in ClinVar's aggregate classification.

Literature cited by the submitters: PubMed 30763825 (cited by Ambry Genetics).